The following is an entry in ClinVar:

ClinVar aggregate classification (germline): Uncertain significance (1 of 4 stars; one submission).

Conditions:
CNTNAP1-related disorder. Also called: CNTNAP1-related disease; CNTNAP1-related condition.

Submission:

PreventionGenetics, part of Exact Sciences
Classification: Uncertain significance for CNTNAP1-related condition. Last evaluated: 2024-12-17. Review status: criteria provided, single submitter. Criteria: ACMG Guidelines, 2015. Collection method: clinical testing. Allele origin: germline.
Comment: The CNTNAP1 c.391_393delinsTCT variant is predicted to result in an in-frame deletion and insertion. To our knowledge, this variant has not been reported in the literature or in a large population database (gnomAD), indicating this variant is rare. At this time, the clinical significance of this variant is uncertain due to the absence of conclusive functional and genetic evidence.

NM_003632.3(CNTNAP1):c.391_393delinsTCT (p.Ala131Ser)

Gene: CNTNAP1 (contactin associated protein 1; plus strand). Cytogenetic location: 17q21.2.
Variant type: Indel.
Coding change: c.391_393delinsTCT on transcript NM_003632.3 (MANE Select); coding-DNA positions 391 to 393, GCG replaced by TCT.
Protein change: p.Ala131Ser; replaces alanine 131 with serine.
Molecular consequence: missense variant.
Genome position (GRCh38, 1-based): chr17:42,685,018-42,685,020, GCG replaced by TCT. VCF-style: chr17-42685018-GCG-TCT. GRCh37 (hg19) VCF-style: chr17-40837036-GCG-TCT.
Other names: short protein forms A131S.
Identifiers: ClinVar variation 4998156 (VCV004998156.1).